The following is an entry in ClinVar:

ClinVar aggregate classification (germline): Uncertain significance (0 of 4 stars; one submission).

Conditions:
RPE65-related disorder. Also called: RPE65-related condition; RPE65-related disorders. Identifiers: MedGen CN239301.

Submission:

PreventionGenetics, part of Exact Sciences
Classification: Uncertain significance for RPE65-related condition. Last evaluated: 2024-09-05. Review status: no assertion criteria provided. Collection method: clinical testing. Allele origin: germline.
Comment: The RPE65 c.677T>C variant is predicted to result in the amino acid substitution p.Val226Ala. To our knowledge, this variant has not been reported in the literature or in a large population database, indicating this variant is rare. A variant impacting the same amino acid (c.676G>A, p.Val226Ile) has been reported in individuals with RPE65-related retinal disease (Leber congenital amaurosis); however, no second variant in the gene was identified (Haer-Wigman et al. 2017. PubMed ID: 28224992). At this time, the clinical significance of this variant is uncertain due to the absence of conclusive functional and genetic evidence.

NM_000329.3(RPE65):c.677T>C (p.Val226Ala)

Gene: RPE65 (retinoid isomerohydrolase RPE65; minus strand). Cytogenetic location: 1p31.3.
Variant type: single nucleotide variant.
Coding change: c.677T>C on transcript NM_000329.3 (MANE Select); coding-DNA position 677, T replaced by C.
Protein change: p.Val226Ala; replaces valine 226 with alanine.
Molecular consequence: missense variant.
Genome position (GRCh38, 1-based): chr1:68,439,609, A>G on the plus strand (T>C on the coding strand, the complement: RPE65 is on the minus strand). VCF-style: chr1-68439609-A-G. GRCh37 (hg19) VCF-style: chr1-68905292-A-G.
Other names: c.569T>C, p.Val190Ala (NM_001406853.1); c.401T>C, p.Val134Ala (NM_001406856.1, NM_001406857.1); c.677T>C, p.Val226Ala (NM_001406859.1); short protein forms V134A, V190A, V226A.
Identifiers: ClinVar variation 3354514 (VCV003354514.1).